The following is an entry in ClinVar:

ClinVar aggregate classification (germline): Pathogenic (1 of 4 stars; one submission).

Conditions:
Developmental and epileptic encephalopathy 94 (DEE94). Also called: Epileptic encephalopathy, childhood-onset; CHD2-Related Neurodevelopmental Disorders. Identifiers: Orphanet 1942, Orphanet 2382, MedGen C3809278, MONDO:0014150, OMIM 615369.

Submission:

Labcorp Genetics (formerly Invitae), Labcorp
Classification: Pathogenic for Developmental and epileptic encephalopathy 94. Last evaluated: 2025-08-25. Review status: criteria provided, single submitter. Criteria: Invitae Variant Classification Sherloc (09022015). Collection method: clinical testing. Allele origin: germline.
Comment: This sequence change creates a premature translational stop signal (p.Lys1390Asnfs*15) in the CHD2 gene. It is expected to result in an absent or disrupted protein product. Loss-of-function variants in CHD2 are known to be pathogenic (PMID: 23708187, 24207121). This variant is not present in population databases (gnomAD no frequency). This variant has not been reported in the literature in individuals affected with CHD2-related conditions. ClinVar contains an entry for this variant (Variation ID: 1411227). For these reasons, this variant has been classified as Pathogenic.

Literature cited by the submitters: PubMed 23708187; PubMed 24207121.

NM_001271.4(CHD2):c.4170_4173del (p.Lys1390fs)

Gene: CHD2 (chromodomain helicase DNA binding protein 2; plus strand). Cytogenetic location: 15q26.1.
Variant type: Deletion.
Coding change: c.4170_4173del on transcript NM_001271.4 (MANE Select); coding-DNA positions 4170 to 4173, 4 bases deleted (AAAA; older notation c.4170_4173delAAAA).
Protein change: p.Lys1390fs; shifts the reading frame from lysine 1390.
Molecular consequence: frameshift variant.
Genome position (GRCh38, 1-based): chr15:93,002,209-93,002,212, AAAA deleted; deleting any 4 consecutive bases within chr15:93,002,204-93,002,212 gives the same sequence; the c. name uses the placement nearest the transcript's 3' end. VCF-style (leftmost placement, unchanged base first): chr15-93002203-GAAAA-G. GRCh37 (hg19) VCF-style: chr15-93545433-GAAAA-G.
Other names: short protein forms K1390fs.
Identifiers: ClinVar variation 1411227 (VCV001411227.6), dbSNP rs749969667, ClinGen allele CA2573151337.
Genomic context (GRCh38, chr15:93,002,203, plus strand): 5'-TAGCAAAAATTCATAGCCCTGTTTTGTTTCCTAGGATGATGGCTTGGAAAAAAGTCCAAT[GAAAA>G]AAAAACAGAAGAAGAAAGAGAACAAGGAGAACAAGGAGAAACAAATGAGTTCTAGGAAAG-3'